The following is an entry in ClinVar:

NM_000179.3(MSH6):c.2294_2295delinsAT (p.Cys765Tyr)

Gene: MSH6 (mutS homolog 6; plus strand). Cytogenetic location: 2p16.3.
Variant type: Indel.
Coding change: c.2294_2295delinsAT on transcript NM_000179.3 (MANE Select); coding-DNA positions 2294 to 2295, GC replaced by AT.
Protein change: p.Cys765Tyr; replaces cysteine 765 with tyrosine.
Molecular consequence: missense variant. On other transcripts: non-coding transcript variant (5), intron variant (2).
Genome position (GRCh38, 1-based): chr2:47,800,277-47,800,278, GC replaced by AT. VCF-style: chr2-47800277-GC-AT. GRCh37 (hg19) VCF-style: chr2-48027416-GC-AT.
Other names: c.1904_1905delinsAT, p.Cys635Tyr (NM_001281492.2); c.1388_1389delinsAT, p.Cys463Tyr (NM_001281493.2, NM_001281494.2, NM_001406811.1 and 6 more transcripts); c.2390_2391delinsAT, p.Cys797Tyr (NM_001406795.1, NM_001406802.1); c.2294_2295delinsAT, p.Cys765Tyr (NM_001406796.1, NM_001406798.1, NM_001406800.1 and 3 more transcripts); c.1997_1998delinsAT, p.Cys666Tyr (NM_001406797.1, NM_001406801.1, NM_001406805.1 and 10 more transcripts); c.1769_1770delinsAT, p.Cys590Tyr (NM_001406799.1, NM_001406806.1, NM_001406807.1); c.2216_2217delinsAT, p.Cys739Tyr (NM_001406804.1); c.2300_2301delinsAT, p.Cys767Tyr (NM_001406813.1); and 3 more; short protein forms C463Y, C590Y, C635Y, C666Y, C709Y, C739Y, C765Y, C767Y.
Identifiers: ClinVar variation 3894500 (VCV003894500.1).

ClinVar aggregate classification (germline): Uncertain significance (1 of 4 stars; one submission).

Conditions:
Hereditary cancer-predisposing syndrome. Also called: Neoplastic Syndromes, Hereditary; Tumor predisposition; Hereditary Cancer Syndrome; Hereditary neoplastic syndrome. Identifiers: Orphanet 140162, MedGen C0027672, MeSH D009386, MONDO:0015356.

Submission:

Color Diagnostics, LLC DBA Color Health
Classification: Uncertain significance for Hereditary cancer-predisposing syndrome. Last evaluated: 2024-01-29. Review status: criteria provided, single submitter. Criteria: ACMG Guidelines, 2015. Collection method: clinical testing. Allele origin: germline.
Comment: This missense variant replaces cysteine with tyrosine at codon 765 of the MSH6 protein. To our knowledge, functional studies have not been reported for this variant. This variant has not been reported in individuals affected with MSH6-related disorders in the literature. This variant has not been identified in the general population by the Genome Aggregation Database (gnomAD). A different variant affecting the same codon, c.2295C>G (p.Cys765Trp), is considered to be disease-causing (ClinVar variation ID: 89265), suggesting that this position may be important for the protein function. The available evidence is insufficient to determine the role of this variant in disease conclusively. Therefore, this variant is classified as a Variant of Uncertain Significance.